The following is an entry in ClinVar:

ClinVar aggregate classification (germline): Uncertain significance (1 of 4 stars; one submission).

gnomAD v4.1: 1 of 1,611,188 alleles (0.000062%); highest among the groups gnomAD compares: Non-Finnish European, 0.000085%; no homozygotes.

Submission:

Labcorp Genetics (formerly Invitae), Labcorp
Classification: Uncertain significance. Last evaluated: 2025-03-09. Review status: criteria provided, single submitter. Criteria: Invitae Variant Classification Sherloc (09022015). Collection method: clinical testing. Allele origin: germline.
Comment: This sequence change replaces phenylalanine, which is neutral and non-polar, with leucine, which is neutral and non-polar, at codon 309 of the DVL1 protein (p.Phe309Leu). This variant is not present in population databases (gnomAD no frequency). This variant has not been reported in the literature in individuals affected with DVL1-related conditions. Invitae Evidence Modeling of protein sequence and biophysical properties (such as structural, functional, and spatial information, amino acid conservation, physicochemical variation, residue mobility, and thermodynamic stability) has been performed for this missense variant. However, the output from this modeling did not meet the statistical confidence thresholds required to predict the impact of this variant on DVL1 protein function. In summary, the available evidence is currently insufficient to determine the role of this variant in disease. Therefore, it has been classified as a Variant of Uncertain Significance.

NM_001330311.2(DVL1):c.927T>A (p.Phe309Leu)

Gene: DVL1 (dishevelled segment polarity protein 1; minus strand). Cytogenetic location: 1p36.33.
Variant type: single nucleotide variant.
Coding change: c.927T>A on transcript NM_001330311.2 (MANE Select); coding-DNA position 927, T replaced by A.
Protein change: p.Phe309Leu; replaces phenylalanine 309 with leucine.
Molecular consequence: missense variant.
Genome position (GRCh38, 1-based): chr1:1,339,795, A>T on the plus strand (T>A on the coding strand, the complement: DVL1 is on the minus strand). VCF-style: chr1-1339795-A-T. GRCh37 (hg19) VCF-style: chr1-1275175-A-T.
Other names: c.927T>A, p.Phe309Leu (NM_004421.3); short protein forms F309L.
Identifiers: ClinVar variation 4744504 (VCV004744504.1).